The following is an entry in ClinVar:

NM_012179.4(FBXO7):c.1049G>A (p.Arg350His)

Gene: FBXO7 (F-box protein 7; plus strand). Cytogenetic location: 22q12.3.
Variant type: single nucleotide variant.
Coding change: c.1049G>A on transcript NM_012179.4 (MANE Select); coding-DNA position 1049, G replaced by A.
Protein change: p.Arg350His; replaces arginine 350 with histidine.
Molecular consequence: missense variant.
Genome position (GRCh38, 1-based): chr22:32,493,186, G>A. VCF-style: chr22-32493186-G-A. GRCh37 (hg19) VCF-style: chr22-32889173-G-A.
Other names: p.Arg350His; c.812G>A, p.Arg271His (NM_001033024.2); c.707G>A, p.Arg236His (NM_001257990.2); short protein forms R236H, R271H, R350H.
Identifiers: ClinVar variation 3380710 (VCV003380710.1).
Genomic context (GRCh38, chr22:32,493,186, plus strand): 5'-TTGGGTTGGTCGTCCTCCCATTGGAACTGAAACTACGGATCTTCCGACTTCTGGATGTTC[G>A]TTCCGTCTTGTCTTTGTCTGCGGTTTGTCGTGACCTCTTTACTGCTTCAAATGACCCACT-3'
Protein context (NP_036311.3, residues 340-360): KLRIFRLLDV[Arg350His]SVLSLSAVCR

ClinVar aggregate classification (germline): Uncertain significance (1 of 4 stars; one submission).

gnomAD v4.1: 6 of 1,614,072 alleles (0.00037%); highest among the groups gnomAD compares: South Asian, 0.0022%; 1 homozygote.

Submission:

Mayo Clinic Laboratories, Mayo Clinic
Classification: Uncertain significance. Last evaluated: 2023-07-25. Review status: criteria provided, single submitter. Criteria: ACMG Guidelines, 2015. Collection method: clinical testing. Allele origin: germline. Observed: 1 variant allele.
Comment: BP4, PM2_moderate